The following is an entry in ClinVar:

NM_000722.4(CACNA2D1):c.-40C>T

Gene: CACNA2D1 (calcium voltage-gated channel auxiliary subunit alpha2delta 1; minus strand). Cytogenetic location: 7q21.11.
Variant type: single nucleotide variant.
Coding change: c.-40C>T on transcript NM_000722.4 (MANE Select); 40 bases upstream of the start codon, C replaced by T.
Molecular consequence: 5 prime UTR variant.
Genome position (GRCh38, 1-based): chr7:82,443,499, G>A on the plus strand (C>T on the coding strand, the complement: CACNA2D1 is on the minus strand). VCF-style: chr7-82443499-G-A. GRCh37 (hg19) VCF-style: chr7-82072815-G-A.
Other names: c.-40C>T (LRG_437t1, NM_001302890.2, NM_001366867.1).
Identifiers: ClinVar variation 391614 (VCV000391614.1), dbSNP rs200428602, ClinGen allele CA4318532.

ClinVar aggregate classification (germline): Likely benign (1 of 4 stars; one submission).

Allele frequency attached by ClinVar (database versions not stated): TOPMed 0.00002.
gnomAD v4.1: 7 of 1,596,656 alleles (0.00044%); highest among the groups gnomAD compares: Middle Eastern, 0.017%; no homozygotes.

Submission:

GeneDx
Classification: Likely benign. Last evaluated: 2016-12-12. Review status: criteria provided, single submitter. Criteria: GeneDx Variant Classification (06012015). Collection method: clinical testing. Allele origin: germline. Affected: yes.
Comment: This variant is considered likely benign or benign based on one or more of the following criteria: it is a conservative change, it occurs at a poorly conserved position in the protein, it is predicted to be benign by multiple in silico algorithms, and/or has population frequency not consistent with disease.